The following is an entry in ClinVar:

NM_006218.4(PIK3CA):c.1321del (p.Met441fs)

Gene: PIK3CA (phosphatidylinositol-4,5-bisphosphate 3-kinase catalytic subunit alpha; plus strand). Cytogenetic location: 3q26.32.
Variant type: Deletion.
Coding change: c.1321del on transcript NM_006218.4 (MANE Select); coding-DNA position 1321, one base deleted (A; older notation c.1321delA).
Protein change: p.Met441fs; shifts the reading frame from methionine 441.
Molecular consequence: frameshift variant.
Genome position (GRCh38, 1-based): chr3:179,210,255, A deleted; the last of 5 consecutive A bases (chr3:179,210,251-179,210,255); deleting any one gives the same sequence. VCF-style (leftmost placement, unchanged base first): chr3-179210250-GA-G. GRCh37 (hg19) VCF-style: chr3-178928038-GA-G.
Other names: short protein forms M441fs.
Identifiers: ClinVar variation 1304651 (VCV001304651.2), dbSNP rs2108400442, ClinGen allele CA1139655199.

ClinVar aggregate classification (germline): Uncertain significance (1 of 4 stars; one submission).

Submission:

GeneDx
Classification: Uncertain significance. Last evaluated: 2019-11-07. Review status: criteria provided, single submitter. Criteria: GeneDx Variant Classification Process June 2021. Collection method: clinical testing. Allele origin: germline. Affected: yes.
Comment: Not observed in large population cohorts (Lek et al., 2016); Frameshift variant predicted to result in protein truncation or nonsense mediated decay in a gene for which loss-of-function is not a known mechanism of disease; Has not been previously published as pathogenic or benign to our knowledge